The following is an entry in ClinVar:

NM_000453.3(SLC5A5):c.861C>G (p.Val287=)

Gene: SLC5A5 (solute carrier family 5 member 5; plus strand). Cytogenetic location: 19p13.11.
Variant type: single nucleotide variant.
Coding change: c.861C>G on transcript NM_000453.3 (MANE Select); coding-DNA position 861, C replaced by G.
Protein change: p.Val287=; no amino-acid change (valine 287 retained).
Molecular consequence: synonymous variant.
Genome position (GRCh38, 1-based): chr19:17,877,985, C>G. VCF-style: chr19-17877985-C-G. GRCh37 (hg19) VCF-style: chr19-17988794-C-G.
Other names: c.861C>G (NM_000453.2).
Identifiers: ClinVar variation 2902513 (VCV002902513.8), dbSNP rs35209536, ClinGen allele CA9302927.

ClinVar aggregate classification (germline): Likely benign. Review status: criteria provided, multiple submitters, no conflicts (2 of 4 stars). 4 submissions from 4 submitters: Likely benign (3). 1 of the submissions does not count toward it. Last evaluated 2026-06-01.

Conditions:
SLC5A5-related disorder. Also called: SLC5A5-related condition.

Allele frequency attached by ClinVar (database versions not stated): 1000 Genomes Project 30x 0.00016.

Submissions (4):

CeGaT Center for Human Genetics Tuebingen
Classification: Likely benign. Last evaluated: 2026-06-01. Review status: criteria provided, single submitter. Criteria: CeGaT Center For Human Genetics Tuebingen Variant Classification Criteria Version 2. Collection method: clinical testing. Allele origin: germline. Affected: yes. Observed: 1 variant allele.
Comment: SLC5A5: BP4, BP7

Labcorp Genetics (formerly Invitae), Labcorp
Classification: Likely benign. Last evaluated: 2026-01-19. Review status: criteria provided, single submitter. Criteria: Invitae Variant Classification Sherloc (09022015). Collection method: clinical testing. Allele origin: germline.

Women's Health and Genetics/Laboratory Corporation of America, LabCorp
Classification: Likely benign. Last evaluated: 2025-09-09. Review status: criteria provided, single submitter. Criteria: LabCorp Variant Classification Summary - May 2015. Collection method: clinical testing. Allele origin: germline.

PreventionGenetics, part of Exact Sciences
Classification: Likely benign for SLC5A5-related condition. Last evaluated: 2019-03-12. Review status: no assertion criteria provided. Collection method: clinical testing. Allele origin: germline. Not counted in ClinVar's aggregate classification.
Comment: This variant is classified as likely benign based on ACMG/AMP sequence variant interpretation guidelines (Richards et al. 2015 PMID: 25741868, with internal and published modifications).